The following is an entry in ClinVar:

ClinVar aggregate classification (germline): Uncertain significance. Review status: criteria provided, multiple submitters, no conflicts (2 of 4 stars). 3 submissions from 3 submitters: Uncertain significance (2). 1 of the submissions does not count toward it. Last evaluated 2022-04-11.

Conditions:
Charcot-Marie-Tooth disease type 2. Also called: Charcot-Marie-Tooth type 2. Identifiers: Orphanet 64746, MedGen C0270914, MONDO:0018993.

Allele frequency attached by ClinVar (database versions not stated): gnomAD exomes 0.00001.
gnomAD v4.1: 10 of 1,614,226 alleles (0.00062%); highest among the groups gnomAD compares: Non-Finnish European, 0.00085%; no homozygotes.

Submissions (3):

Labcorp Genetics (formerly Invitae), Labcorp
Classification: Uncertain significance for Charcot-Marie-Tooth disease type 2. Last evaluated: 2022-04-11. Review status: criteria provided, single submitter. Criteria: Invitae Variant Classification Sherloc (09022015). Collection method: clinical testing. Allele origin: germline.
Comment: In summary, the available evidence is currently insufficient to determine the role of this variant in disease. Therefore, it has been classified as a Variant of Uncertain Significance. This sequence change replaces glutamic acid, which is acidic and polar, with lysine, which is basic and polar, at codon 247 of the LMNA protein (p.Glu247Lys). This missense change has been observed in individual(s) with dilated cardiomyopathy (PMID: 27532257). Algorithms developed to predict the effect of missense changes on protein structure and function (SIFT, PolyPhen-2, Align-GVGD) all suggest that this variant is likely to be tolerated. ClinVar contains an entry for this variant (Variation ID: 177874). This variant is not present in population databases (gnomAD no frequency).

GeneDx
Classification: Uncertain significance. Last evaluated: 2019-07-15. Review status: criteria provided, single submitter. Criteria: GeneDx Variant Classification Process June 2021. Collection method: clinical testing. Allele origin: germline. Affected: yes.
Comment: Identified in a patient with DCM in published literature (Walsh et al., 2017); Reported in ClinVar but additional evidence is not available (ClinVar Variant ID# 177874; Landrum et al., 2016); Not observed in large population cohorts (Lek et al., 2016); In silico analysis, which includes protein predictors and evolutionary conservation, supports a deleterious effect; This variant is associated with the following publications: (PMID: 27532257, 31514951)

Laboratory for Molecular Medicine, Mass General Brigham Personalized Medicine
Classification: Uncertain significance. Last evaluated: 2013-01-23. Review status: no assertion criteria provided. Collection method: clinical testing. Allele origin: germline. Observed: 4 variant alleles. Not counted in ClinVar's aggregate classification.
Comment: proposed classification - variant undergoing re-assessment, contact laboratory

Literature cited by the submitters: PubMed 27532257 (cited by Labcorp Genetics (formerly Invitae), Labcorp).

NM_170707.4(LMNA):c.739G>A (p.Glu247Lys)

Gene: LMNA (lamin A/C; plus strand). Cytogenetic location: 1q22.
Variant type: single nucleotide variant.
Coding change: c.739G>A on transcript NM_170707.4 (MANE Select); coding-DNA position 739, G replaced by A.
Protein change: p.Glu247Lys; replaces glutamic acid 247 with lysine.
Molecular consequence: missense variant.
Genome position (GRCh38, 1-based): chr1:156,134,904, G>A. VCF-style: chr1-156134904-G-A. GRCh37 (hg19) VCF-style: chr1-156104695-G-A.
Other names: c.403G>A, p.Glu135Lys (NM_001257374.3); c.496G>A, p.Glu166Lys (NM_001282624.2); c.739G>A, p.Glu247Lys (NM_001282625.2, NM_001282626.2, NM_005572.4 and 1 more transcripts); short protein forms E247K, E166K, E135K.
Identifiers: ClinVar variation 177874 (VCV000177874.12), dbSNP rs727504373, ClinGen allele CA018524.